The following is an entry in ClinVar:

NM_000202.8(IDS):c.1030G>A (p.Glu344Lys)

Genes: IDS (iduronate 2-sulfatase; minus strand), LOC106050102 (IDS recombination region; plus strand). Cytogenetic location: Xq28.
Variant type: single nucleotide variant.
Coding change: c.1030G>A on transcript NM_000202.8 (MANE Select); coding-DNA position 1030, G replaced by A.
Protein change: p.Glu344Lys; replaces glutamic acid 344 with lysine.
Molecular consequence: missense variant.
Genome position (GRCh38, 1-based): chrX:149,487,075, C>T on the plus strand (G>A on the coding strand, the complement: IDS is on the minus strand). VCF-style: chrX-149487075-C-T. GRCh37 (hg19) VCF-style: chrX-148568606-C-T.
Other names: c.760G>A, p.Glu254Lys (NM_001166550.4); short protein forms E254K, E344K.
Identifiers: ClinVar variation 3255930 (VCV003255930.4).

ClinVar aggregate classification (germline): Conflicting classifications of pathogenicity. Review status: criteria provided, conflicting classifications (1 of 4 stars). 2 submissions from 2 submitters: Likely pathogenic (1); Uncertain significance (1). Last evaluated 2025-06-12.

Conditions:
Mucopolysaccharidosis, MPS-II (MPS2). Also called: Hunter Syndrome; IDURONATE 2-SULFATASE DEFICIENCY; Mucopolysaccharidosis Type II; Mucopolysaccharidosis type 2; Attenuated MPS (subtype; formerly known as mild MPS II); Severe MPS II. Identifiers: Orphanet 580, Orphanet 79388, MedGen C0026705, MONDO:0010674, OMIM 309900.

Submissions (2):

Labcorp Genetics (formerly Invitae), Labcorp
Classification: Uncertain significance for Mucopolysaccharidosis, MPS-II. Last evaluated: 2025-06-12. Review status: criteria provided, single submitter. Criteria: Invitae Variant Classification Sherloc (09022015). Collection method: clinical testing. Allele origin: germline.
Comment: This sequence change replaces glutamic acid, which is acidic and polar, with lysine, which is basic and polar, at codon 344 of the IDS protein (p.Glu344Lys). This variant is not present in population databases (gnomAD no frequency). This missense change has been observed in individual(s) with mucopolysaccharidosis (PMID: 21834048, 24125893, 24875751, 36713083). ClinVar contains an entry for this variant (Variation ID: 3255930). Invitae Evidence Modeling of protein sequence and biophysical properties (such as structural, functional, and spatial information, amino acid conservation, physicochemical variation, residue mobility, and thermodynamic stability) indicates that this missense variant is not expected to disrupt IDS protein function with a negative predictive value of 80%. In summary, the available evidence is currently insufficient to determine the role of this variant in disease. Therefore, it has been classified as a Variant of Uncertain Significance.

Laboratory of Diagnosis and Therapy of Lysosomal Disorders, University of Padova
Classification: Likely pathogenic for Mucopolysaccharidosis, MPS-II. Last evaluated: 2024-06-07. Review status: criteria provided, single submitter. Criteria: ACMG Guidelines, 2015. Collection method: literature only. Allele origin: germline. Affected: yes. Observed: 4 variant alleles.
Comment: Absent from controls (or at low frequency) in gnomAD database (PM2_Moderate), Missense variant in a gene with a low rate of benign missense variation (PP2_Supporting), Multiple lines of computational evidence support a deleterious effect (PP3_Supporting), Patient’s phenotype or family history highly specific for the disease (PP4_Moderate)

Classification method: ACMG Guidelines [PMID:25741868] with modifications

Literature cited by the submitters: PubMed 21834048 (cited by Labcorp Genetics (formerly Invitae), Labcorp and Laboratory of Diagnosis and Therapy of Lysosomal Disorders, University of Padova); PubMed 24125893 (cited by Labcorp Genetics (formerly Invitae), Labcorp and Laboratory of Diagnosis and Therapy of Lysosomal Disorders, University of Padova); PubMed 24875751 (cited by Labcorp Genetics (formerly Invitae), Labcorp); PubMed 36713083 (cited by Labcorp Genetics (formerly Invitae), Labcorp and Laboratory of Diagnosis and Therapy of Lysosomal Disorders, University of Padova); PubMed 33960103 (cited by Laboratory of Diagnosis and Therapy of Lysosomal Disorders, University of Padova).